The following is an entry in ClinVar:

ClinVar aggregate classification (germline): Uncertain significance. Review status: criteria provided, multiple submitters, no conflicts (2 of 4 stars). 2 submissions from 2 submitters: Uncertain significance (2). Last evaluated 2025-11-12.

Conditions:
Age related macular degeneration 1 (ARMD1). Also called: MACULOPATHY, AGE-RELATED, 1. Identifiers: MedGen C1864205, MONDO:0011285, OMIM 603075.

Allele frequency attached by ClinVar (database versions not stated): ExAC 0.00002; gnomAD exomes 0.00002; TOPMed 0.00002; gnomAD 0.00003 and 0.00004; ESP Exome Variant Server 0.00015.

Submissions (2):

Labcorp Genetics (formerly Invitae), Labcorp
Classification: Uncertain significance. Last evaluated: 2025-11-12. Review status: criteria provided, single submitter. Criteria: Invitae Variant Classification Sherloc (09022015). Collection method: clinical testing. Allele origin: germline.
Comment: This sequence change creates a premature translational stop signal (p.Arg2926*) in the HMCN1 gene. It is expected to result in an absent or disrupted protein product. However, the current clinical and genetic evidence is not sufficient to establish whether loss-of-function variants in HMCN1 cause disease. This variant is present in population databases (rs142475663, gnomAD 0.004%). This variant has not been reported in the literature in individuals affected with HMCN1-related conditions. ClinVar contains an entry for this variant (Variation ID: 631584). In summary, the available evidence is currently insufficient to determine the role of this variant in disease. Therefore, it has been classified as a Variant of Uncertain Significance.

Genome-Nilou Lab
Classification: Uncertain significance for Age related macular degeneration 1. Last evaluated: 2023-04-11. Review status: criteria provided, single submitter. Criteria: ACMG Guidelines, 2015. Collection method: clinical testing. Allele origin: germline. Affected: no.

NM_031935.3(HMCN1):c.8776C>T (p.Arg2926Ter)

Gene: HMCN1 (hemicentin 1; plus strand). Cytogenetic location: 1q31.1.
Variant type: single nucleotide variant.
Coding change: c.8776C>T on transcript NM_031935.3 (MANE Select); coding-DNA position 8776, C replaced by T.
Protein change: p.Arg2926Ter; replaces arginine 2926 with a stop codon.
Molecular consequence: nonsense.
Genome position (GRCh38, 1-based): chr1:186,081,383, C>T. VCF-style: chr1-186081383-C-T. GRCh37 (hg19) VCF-style: chr1-186050515-C-T.
Other names: short protein forms R2926*.
Identifiers: ClinVar variation 631584 (VCV000631584.10), dbSNP rs142475663, ClinGen allele CA1293207.